The following is an entry in ClinVar:

NM_014727.3(KMT2B):c.42C>T (p.Gly14=)

Gene: KMT2B (lysine methyltransferase 2B; plus strand). Cytogenetic location: 19q13.12.
Variant type: single nucleotide variant.
Coding change: c.42C>T on transcript NM_014727.3 (MANE Select); coding-DNA position 42, C replaced by T.
Protein change: p.Gly14=; no amino-acid change (glycine 14 retained).
Molecular consequence: synonymous variant.
Genome position (GRCh38, 1-based): chr19:35,718,060, C>T. VCF-style: chr19-35718060-C-T. GRCh37 (hg19) VCF-style: chr19-36208962-C-T.
Identifiers: ClinVar variation 2649724 (VCV002649724.24), dbSNP rs1969021910, ClinGen allele CA507304555.
Genomic context (GRCh38, chr19:35,718,060, plus strand): 5'-CCCCTCTCACGGTGCCAAGATGGCGGCGGCGGCGGGCGGCGGCAGTTGCCCCGGGCCTGG[C>T]TCCGCGCGGGGCCGCTTCCCGGGCCGGCCGCGGGGCGCCGGCGGGGGCGGGGGCCGCGGC-3'
Protein context (NP_055542.1, residues 4-24): AAGGGSCPGP[Gly14=]SARGRFPGRP

ClinVar aggregate classification (germline): Likely benign (1 of 4 stars; one submission).

Allele frequency attached by ClinVar (database versions not stated): gnomAD exomes below 0.00001; gnomAD 0.00001.
gnomAD v4.1: 3 of 986,930 alleles (0.0003%); highest among the groups gnomAD compares: African/African-American, 0.0035%; no homozygotes.

Submission:

CeGaT Center for Human Genetics Tuebingen
Classification: Likely benign. Last evaluated: 2023-02-01. Review status: criteria provided, single submitter. Criteria: CeGaT Center For Human Genetics Tuebingen Variant Classification Criteria Version 2. Collection method: clinical testing. Allele origin: germline. Affected: yes. Observed: 1 variant allele.
Comment: KMT2B: BP4, BP7